The following is an entry in ClinVar:

ClinVar aggregate classification (germline): Conflicting classifications of pathogenicity. Review status: criteria provided, conflicting classifications (1 of 4 stars). 3 submissions from 3 submitters: Uncertain significance (2); Likely benign (1). Last evaluated 2025-04-30.

Conditions:
Charcot-Marie-Tooth disease axonal type 2P. Also called: Charcot-Marie-Tooth Neuropathy Type 2G; CHARCOT-MARIE-TOOTH DISEASE, AXONAL, TYPE 2G; CMT 2G; CHARCOT-MARIE-TOOTH NEUROPATHY, TYPE 2P. Identifiers: Orphanet 300319, Orphanet 99941, MedGen C3280797, MONDO:0013753, OMIM 614436.

Allele frequency attached by ClinVar (database versions not stated): 1000 Genomes Project 30x 0.00031; TOPMed below 0.00001; ExAC 0.00001; 1000 Genomes Project 0.00020; gnomAD exomes 0.00001; gnomAD 0.00001; ESP Exome Variant Server 0.00008.
gnomAD v4.1: 5 of 1,605,086 alleles (0.00031%); highest among the groups gnomAD compares: Non-Finnish European, 0.00042%; no homozygotes.

Submissions (3):

Women's Health and Genetics/Laboratory Corporation of America, LabCorp
Classification: Uncertain significance. Last evaluated: 2025-04-30. Review status: criteria provided, single submitter. Criteria: LabCorp Variant Classification Summary - May 2015. Collection method: clinical testing. Allele origin: germline.
Comment: Variant summary: LRSAM1 c.1348-6T>A alters a non-conserved nucleotide located close to a canonical splice site and therefore could affect mRNA splicing, leading to a significantly altered protein sequence. Several computational tools predict a significant impact on normal splicing: One predict the variant abolishes a 3' acceptor site. Two predict the variant weakens a 3' acceptor site. One predict the variant no significant impact on splicing. However, these predictions have yet to be confirmed by functional studies. The variant allele was found at a frequency of 3.1e-06 in 1605086 control chromosomes. The available data on variant occurrences in the general population are insufficient to allow any conclusion about variant significance. To our knowledge, no occurrence of c.1348-6T>A in individuals affected with Charcot-Marie Disease Type 2P and no experimental evidence demonstrating its impact on protein function have been reported. ClinVar contains an entry for this variant (Variation ID: 863406). Based on the evidence outlined above, the variant was classified as uncertain significance.

Labcorp Genetics (formerly Invitae), Labcorp
Classification: Likely benign for Charcot-Marie-Tooth disease axonal type 2P. Last evaluated: 2022-06-24. Review status: criteria provided, single submitter. Criteria: Invitae Variant Classification Sherloc (09022015). Collection method: clinical testing. Allele origin: germline.

GeneDx
Classification: Uncertain significance. Last evaluated: 2020-01-13. Review status: criteria provided, single submitter. Criteria: GeneDx Variant Classification Process June 2021. Collection method: clinical testing. Allele origin: germline. Affected: yes.
Comment: Not observed at a significant frequency in large population cohorts (Lek et al., 2016); Has not been previously published as pathogenic or benign to our knowledge; In-silico analysis, which includes splice predictors and evolutionary conservation, is inconclusive as to whether the variant alters gene splicing. In the absence of RNA/functional studies, the actual effect of this sequence change is unknown.

NM_001005373.4(LRSAM1):c.1348-6T>A

Gene: LRSAM1 (leucine rich repeat and sterile alpha motif containing 1; plus strand). Cytogenetic location: 9q33.3.
Variant type: single nucleotide variant.
Coding change: c.1348-6T>A on transcript NM_001005373.4 (MANE Select); 6 bases into the intron before coding-DNA position 1348, T replaced by A.
Molecular consequence: intron variant.
Genome position (GRCh38, 1-based): chr9:127,489,438, T>A. VCF-style: chr9-127489438-T-A. GRCh37 (hg19) VCF-style: chr9-130251717-T-A.
Other names: c.1348-6T>A (NM_138361.5, NM_001384142.1, NM_001384143.1 and 2 more transcripts); c.559-6T>A (NM_001384144.1).
Identifiers: ClinVar variation 863406 (VCV000863406.14), dbSNP rs200130803, ClinGen allele CA5246952.